The following is an entry in ClinVar:

ClinVar aggregate classification (germline): Uncertain significance. Review status: criteria provided, multiple submitters, no conflicts (2 of 4 stars). 3 submissions from 3 submitters: Uncertain significance (3). Last evaluated 2023-11-30.

Conditions:
Galloway-Mowat syndrome 1 (GAMOS1). Identifiers: Orphanet 2065, Orphanet 83472, MedGen C4551772, MONDO:0033005, OMIM 251300.

Allele frequency attached by ClinVar (database versions not stated): gnomAD exomes below 0.00001; TOPMed 0.00002.
gnomAD v4.1: 7 of 1,610,982 alleles (0.00043%); highest among the groups gnomAD compares: East Asian, 0.0022%; no homozygotes.

Submissions (3):

GeneDx
Classification: Uncertain significance. Last evaluated: 2023-11-30. Review status: criteria provided, single submitter. Criteria: GeneDx Variant Classification Process June 2021. Collection method: clinical testing. Allele origin: germline. Affected: yes.
Comment: Not observed at a significant frequency in large population cohorts (gnomAD); In silico analysis supports that this missense variant has a deleterious effect on protein structure/function; Has not been previously published as pathogenic or benign to our knowledge

Labcorp Genetics (formerly Invitae), Labcorp
Classification: Uncertain significance. Last evaluated: 2022-05-18. Review status: criteria provided, single submitter. Criteria: Invitae Variant Classification Sherloc (09022015). Collection method: clinical testing. Allele origin: germline.
Comment: Algorithms developed to predict the effect of missense changes on protein structure and function are either unavailable or do not agree on the potential impact of this missense change (SIFT: "Deleterious"; PolyPhen-2: "Probably Damaging"; Align-GVGD: "Class C0"). In summary, the available evidence is currently insufficient to determine the role of this variant in disease. Therefore, it has been classified as a Variant of Uncertain Significance. ClinVar contains an entry for this variant (Variation ID: 450013). This variant has not been reported in the literature in individuals affected with WDR73-related conditions. The frequency data for this variant in the population databases is considered unreliable, as metrics indicate poor data quality at this position in the gnomAD database. This sequence change replaces arginine, which is basic and polar, with tryptophan, which is neutral and slightly polar, at codon 256 of the WDR73 protein (p.Arg256Trp).

Fulgent Genetics
Classification: Uncertain significance for Galloway-Mowat syndrome 1. Last evaluated: 2022-02-16. Review status: criteria provided, single submitter. Criteria: ACMG Guidelines, 2015. Collection method: clinical testing. Allele origin: unknown.

NM_032856.5(WDR73):c.766C>T (p.Arg256Trp)

Gene: WDR73 (WD repeat domain 73; minus strand). Cytogenetic location: 15q25.2.
Variant type: single nucleotide variant.
Coding change: c.766C>T on transcript NM_032856.5 (MANE Select); coding-DNA position 766, C replaced by T.
Protein change: p.Arg256Trp; replaces arginine 256 with tryptophan.
Molecular consequence: missense variant. On other transcripts: non-coding transcript variant (4).
Genome position (GRCh38, 1-based): chr15:84,645,588, G>A on the plus strand (C>T on the coding strand, the complement: WDR73 is on the minus strand). VCF-style: chr15-84645588-G-A. GRCh37 (hg19) VCF-style: chr15-85188819-G-A.
Other names: short protein forms R256W.
Identifiers: ClinVar variation 450013 (VCV000450013.10), dbSNP rs1261931467, ClinGen allele CA393353014.